The following is an entry in ClinVar:

NM_024642.5(GALNT12):c.372-27_372-20del

Gene: GALNT12 (polypeptide N-acetylgalactosaminyltransferase 12; plus strand). Cytogenetic location: 9q22.33.
Variant type: Deletion.
Coding change: c.372-27_372-20del on transcript NM_024642.5 (MANE Select); 27 bases into the intron before coding-DNA position 372 through 20 bases into the intron before coding-DNA position 372, 8 bases deleted (GTTCCTGA; older notation c.372-27_372-20delGTTCCTGA).
Molecular consequence: intron variant.
Genome position (GRCh38, 1-based): chr9:98,823,229-98,823,236, GTTCCTGA deleted; deleting any 8 consecutive bases within chr9:98,823,223-98,823,236 gives the same sequence; the c. name uses the placement nearest the transcript's 3' end. VCF-style (leftmost placement, unchanged base first): chr9-98823222-ATCCTGAGT-A. GRCh37 (hg19) VCF-style: chr9-101585504-ATCCTGAGT-A.
Identifiers: ClinVar variation 4876114 (VCV004876114.1).

ClinVar aggregate classification (germline): Benign (1 of 4 stars; one submission).

Conditions:
Colorectal cancer, susceptibility to, 1. Also called: COLORECTAL ADENOMA AND CANCER, SUSCEPTIBILITY TO; COLORECTAL CANCER, SUSCEPTIBILITY TO, ON CHROMOSOME 9. Identifiers: MedGen C1837315, MONDO:0012132, OMIM 608812.

Submission:

Myriad Genetics, Inc.
Classification: Benign for Colorectal cancer, susceptibility to, 1. Last evaluated: 2026-04-23. Review status: criteria provided, single submitter. Criteria: Myriad Autosomal Dominant, Autosomal Recessive and X-Linked Classification Criteria (2023). Collection method: clinical testing. Allele origin: unknown.
Comment: This variant is considered benign. This variant is intronic and is not expected to impact mRNA splicing.